The following is an entry in ClinVar:

ClinVar aggregate classification (germline): Benign/Likely benign. Review status: criteria provided, multiple submitters, no conflicts (2 of 4 stars). 3 submissions from 3 submitters: Benign (1); Likely benign (2). Last evaluated 2026-01-20.

Allele frequency attached by ClinVar (database versions not stated): 1000 Genomes Project 0.00020; 1000 Genomes Project 30x 0.00031; ExAC 0.00142; gnomAD 0.00169 and 0.00171; gnomAD exomes 0.00176 and 0.00214; TOPMed 0.00208; ESP Exome Variant Server 0.00250.
gnomAD v4.1: 3,374 of 1,614,082 alleles (0.21%); highest among the groups gnomAD compares: Admixed American, 0.48%; 6 homozygotes.

Submissions (3):

Labcorp Genetics (formerly Invitae), Labcorp
Classification: Benign. Last evaluated: 2026-01-20. Review status: criteria provided, single submitter. Criteria: Invitae Variant Classification Sherloc (09022015). Collection method: clinical testing. Allele origin: germline.

Blueprint Genetics
Classification: Likely benign. Last evaluated: 2024-11-14. Review status: criteria provided, single submitter. Criteria: ACMG Guidelines, 2015. Collection method: clinical testing. Allele origin: germline.

CeGaT Center for Human Genetics Tuebingen
Classification: Likely benign. Last evaluated: 2024-10-01. Review status: criteria provided, single submitter. Criteria: CeGaT Center For Human Genetics Tuebingen Variant Classification Criteria Version 2. Collection method: clinical testing. Allele origin: germline. Affected: yes. Observed: 3 variant alleles.
Comment: TUBGCP4: BP4, BS2

NM_014444.5(TUBGCP4):c.852G>A (p.Gln284=)

Gene: TUBGCP4 (tubulin gamma complex component 4; plus strand). Cytogenetic location: 15q15.3.
Variant type: single nucleotide variant.
Coding change: c.852G>A on transcript NM_014444.5 (MANE Select); coding-DNA position 852, G replaced by A.
Protein change: p.Gln284=; no amino-acid change (glutamine 284 retained).
Molecular consequence: synonymous variant.
Genome position (GRCh38, 1-based): chr15:43,385,919, G>A. VCF-style: chr15-43385919-G-A. GRCh37 (hg19) VCF-style: chr15-43678117-G-A.
Other names: c.852G>A, p.Gln284= (NM_001286414.3).
Identifiers: ClinVar variation 789073 (VCV000789073.35), dbSNP rs147411843, ClinGen allele CA7523885.
Genomic context (GRCh38, chr15:43,385,919, plus strand): 5'-GCCATCCTACATTCCAGTGAGGGTTGCTGAAAAAATCCTATTTGTTGGAGAATCTGTCCA[G>A]ATGTTTGAGAATCAAAATGTGAACCTGACTAGAAAAGGTAGAAATCTCCTTGTCCAATGT-3'
Protein context (NP_055259.2, residues 274-294): EKILFVGESV[Gln284=]MFENQNVNLT